The following is an entry in ClinVar:

ClinVar aggregate classification (germline): Conflicting classifications of pathogenicity. Review status: criteria provided, conflicting classifications (1 of 4 stars). 5 submissions from 5 submitters: Uncertain significance (3); Likely benign (1). 1 of the submissions does not count toward it. Last evaluated 2024-02-14.

Conditions:
Niemann-Pick disease, type A. Also called: SPHINGOMYELIN LIPIDOSIS; SPHINGOMYELINASE DEFICIENCY; Infantile Neurovisceral ASMD (Niemann-Pick Disease Type A; NPD-A). Identifiers: Orphanet 77292, MedGen C0268242, MONDO:0009756, OMIM 257200. Disease mechanism: loss of function.
Niemann-Pick disease, type B. Also called: Chronic Visceral ASMD (Niemann-Pick Disease Type B; NPD-B). Identifiers: Orphanet 77293, MedGen C0268243, MONDO:0011871, OMIM 607616. Disease mechanism: loss of function.
Inborn genetic diseases. Identifiers: MedGen C0950123, MeSH D030342.

Allele frequency attached by ClinVar (database versions not stated): gnomAD 0.00001; gnomAD exomes 0.00001 and 0.00004; TOPMed 0.00002; ExAC 0.00003.

Submissions (5):

Labcorp Genetics (formerly Invitae), Labcorp
Classification: Likely benign for Niemann-Pick disease, type B; Niemann-Pick disease, type A. Last evaluated: 2024-02-14. Review status: criteria provided, single submitter. Criteria: Invitae Variant Classification Sherloc (09022015). Collection method: clinical testing. Allele origin: germline.

GeneDx
Classification: Uncertain significance. Last evaluated: 2023-11-14. Review status: criteria provided, single submitter. Criteria: GeneDx Variant Classification Process June 2021. Collection method: clinical testing. Allele origin: germline. Affected: yes.
Comment: Reported in a patient with progressive familial intrahepatic cholestasis; however, a second variant in the SMPD1 gene was not identified (PMID: 32459745); In silico analysis supports that this missense variant has a deleterious effect on protein structure/function; This variant is associated with the following publications: (PMID: 32459745)

Ambry Genetics
Classification: Uncertain significance for Inborn genetic diseases. Last evaluated: 2023-02-16. Review status: criteria provided, single submitter. Criteria: Ambry Variant Classification Scheme 2023. Collection method: clinical testing. Allele origin: germline.
Comment: The p.P353L variant (also known as c.1058C>T), located in coding exon 2 of the SMPD1 gene, results from a C to T substitution at nucleotide position 1058. The proline at codon 353 is replaced by leucine, an amino acid with similar properties. This amino acid position is conserved. In addition, the in silico prediction for this alteration is inconclusive. Since supporting evidence is limited at this time, the clinical significance of this alteration remains unclear.

Illumina Laboratory Services, Illumina
Classification: Uncertain significance for Niemann-Pick disease, type A. Last evaluated: 2018-01-12. Review status: criteria provided, single submitter. Criteria: ICSL Variant Classification Criteria 13 December 2019. Collection method: clinical testing. Allele origin: germline.

Natera, Inc.
Classification: Uncertain significance for Niemann-Pick Disease, Types A/B. Last evaluated: 2020-01-24. Review status: no assertion criteria provided. Collection method: clinical testing. Allele origin: germline. Not counted in ClinVar's aggregate classification.

NM_000543.5(SMPD1):c.1058C>T (p.Pro353Leu)

Gene: SMPD1 (sphingomyelin phosphodiesterase 1; plus strand). Cytogenetic location: 11p15.4.
Variant type: single nucleotide variant.
Coding change: c.1058C>T on transcript NM_000543.5 (MANE Select); coding-DNA position 1058, C replaced by T.
Protein change: p.Pro353Leu; replaces proline 353 with leucine.
Molecular consequence: missense variant. On other transcripts: non-coding transcript variant (1).
Genome position (GRCh38, 1-based): chr11:6,392,123, C>T. VCF-style: chr11-6392123-C-T. GRCh37 (hg19) VCF-style: chr11-6413353-C-T.
Other names: c.1055C>T, p.Pro352Leu (NM_001007593.3); c.1058C>T, p.Pro353Leu (NM_001318087.2, NM_001365135.2); c.97C>T, p.Pro33Ser (NM_001318088.2); short protein forms P353L, P33S, P352L.
Identifiers: ClinVar variation 879582 (VCV000879582.20), dbSNP rs772473982, ClinGen allele CA5852745.